The following is an entry in ClinVar:

NM_000368.5(TSC1):c.2322G>A (p.Lys774=)

Gene: TSC1 (TSC complex subunit 1; minus strand). Cytogenetic location: 9q34.13.
Variant type: single nucleotide variant.
Coding change: c.2322G>A on transcript NM_000368.5 (MANE Select); coding-DNA position 2322, G replaced by A.
Protein change: p.Lys774=; no amino-acid change (lysine 774 retained).
Molecular consequence: synonymous variant.
Genome position (GRCh38, 1-based): chr9:132,902,674, C>T on the plus strand (G>A on the coding strand, the complement: TSC1 is on the minus strand). VCF-style: chr9-132902674-C-T. GRCh37 (hg19) VCF-style: chr9-135778061-C-T.
Other names: c.2319G>A, p.Lys773= (NM_001162426.2); c.2169G>A, p.Lys723= (NM_001162427.2); c.1959G>A, p.Lys653= (NM_001362177.2).
Identifiers: ClinVar variation 391950 (VCV000391950.22), dbSNP rs772038670, ClinGen allele CA032131.
Genomic context (GRCh38, chr9:132,902,674, plus strand): 5'-CTGGCTCTGGTTGTAGAATTCCTCTCGGTCATGCTGCAGCTGTCTGATCTGGCTGTGGAG[C>T]TTGGTTACCATAGTGTCACGCTGCTCCTGGAGCTGATTGTATCTAGCTTGTTCTTTCTGC-3'
Protein context (NP_000359.1, residues 764-784): LQEQRDTMVT[Lys774=]LHSQIRQLQH

ClinVar aggregate classification (germline): Benign/Likely benign. Review status: criteria provided, multiple submitters, no conflicts (2 of 4 stars). 7 submissions from 7 submitters: Benign (2); Likely benign (5). Last evaluated 2026-05-03.

Conditions:
TSC1-related disorder. Also called: TSC1-related condition.
Hereditary cancer-predisposing syndrome. Also called: Neoplastic Syndromes, Hereditary; Tumor predisposition; Hereditary Cancer Syndrome; Hereditary neoplastic syndrome. Identifiers: Orphanet 140162, MedGen C0027672, MeSH D009386, MONDO:0015356.
Tuberous sclerosis 1 (TSC1). Identifiers: Orphanet 805, MedGen C1854465, MONDO:0008612, OMIM 191100.

Allele frequency attached by ClinVar (database versions not stated): ExAC 0.00001; gnomAD 0.00002; gnomAD exomes 0.00002 and 0.00003; TOPMed 0.00002.
gnomAD v4.1: 47 of 1,614,058 alleles (0.0029%); highest among the groups gnomAD compares: Non-Finnish European, 0.0036%; no homozygotes.

Submissions (7):

PreventionGenetics, part of Exact Sciences
Classification: Likely benign for TSC1-related condition. Last evaluated: 2026-05-03. Review status: criteria provided, single submitter. Criteria: ACMG Guidelines, 2015. Collection method: clinical testing. Allele origin: germline.
Comment: This variant is classified as likely benign based on ACMG/AMP sequence variant interpretation guidelines (Richards et al. 2015 PMID: 25741868, with internal and published modifications).

Labcorp Genetics (formerly Invitae), Labcorp
Classification: Likely benign for Tuberous sclerosis 1. Last evaluated: 2026-01-14. Review status: criteria provided, single submitter. Criteria: Invitae Variant Classification Sherloc (09022015). Collection method: clinical testing. Allele origin: germline.

Myriad Genetics, Inc.
Classification: Benign for Tuberous sclerosis 1. Last evaluated: 2025-04-25. Review status: criteria provided, single submitter. Criteria: Myriad Autosomal Dominant, Autosomal Recessive and X-Linked Classification Criteria (2023). Collection method: clinical testing. Allele origin: unknown.
Comment: This variant is considered benign. This variant is a silent/synonymous amino acid change and it is not expected to impact splicing.

Blueprint Genetics
Classification: Likely benign. Last evaluated: 2022-07-04. Review status: criteria provided, single submitter. Criteria: ACMG Guidelines, 2015. Collection method: clinical testing. Allele origin: germline.

Genome-Nilou Lab
Classification: Benign for Tuberous sclerosis 1. Last evaluated: 2021-11-07. Review status: criteria provided, single submitter. Criteria: ACMG Guidelines, 2015. Collection method: clinical testing. Allele origin: germline. Affected: no.

GeneDx
Classification: Likely benign. Last evaluated: 2016-12-13. Review status: criteria provided, single submitter. Criteria: GeneDx Variant Classification (06012015). Collection method: clinical testing. Allele origin: germline. Affected: yes.
Comment: This variant is considered likely benign or benign based on one or more of the following criteria: it is a conservative change, it occurs at a poorly conserved position in the protein, it is predicted to be benign by multiple in silico algorithms, and/or has population frequency not consistent with disease.

Ambry Genetics
Classification: Likely benign for Hereditary cancer-predisposing syndrome. Last evaluated: 2015-12-12. Review status: criteria provided, single submitter. Criteria: Ambry Variant Classification Scheme 2023. Collection method: clinical testing. Allele origin: germline.